The following is an entry in ClinVar:

ClinVar aggregate classification (germline): Uncertain significance. Review status: criteria provided, multiple submitters, no conflicts (2 of 4 stars). 2 submissions from 2 submitters: Uncertain significance (2). Last evaluated 2022-06-14.

Conditions:
Inborn genetic diseases. Identifiers: MedGen C0950123, MeSH D030342.
Succinate-semialdehyde dehydrogenase deficiency (SSADHD). Also called: 4-HYDROXYBUTYRIC ACIDURIA; GABA METABOLIC DEFECT; SSADH DEFICIENCY; Succinic Semialdehyde Dehydrogenase Deficiency. Identifiers: Orphanet 22, MedGen C0268631, MONDO:0010083, OMIM 271980.

Allele frequency attached by ClinVar (database versions not stated): ExAC 0.00001; gnomAD exomes below 0.00001; TOPMed 0.00002; gnomAD 0.00003.
gnomAD v4.1: 10 of 1,614,064 alleles (0.00062%); highest among the groups gnomAD compares: African/African-American, 0.013%; no homozygotes.

Submissions (2):

Labcorp Genetics (formerly Invitae), Labcorp
Classification: Uncertain significance for Succinate-semialdehyde dehydrogenase deficiency. Last evaluated: 2022-06-14. Review status: criteria provided, single submitter. Criteria: Invitae Variant Classification Sherloc (09022015). Collection method: clinical testing. Allele origin: germline.
Comment: This sequence change replaces proline, which is neutral and non-polar, with alanine, which is neutral and non-polar, at codon 312 of the ALDH5A1 protein (p.Pro312Ala). This variant is present in population databases (rs758281916, gnomAD 0.02%). This variant has not been reported in the literature in individuals affected with ALDH5A1-related conditions. Advanced modeling of protein sequence and biophysical properties (such as structural, functional, and spatial information, amino acid conservation, physicochemical variation, residue mobility, and thermodynamic stability) performed at Invitae indicates that this missense variant is expected to disrupt ALDH5A1 protein function. In summary, the available evidence is currently insufficient to determine the role of this variant in disease. Therefore, it has been classified as a Variant of Uncertain Significance.

Ambry Genetics
Classification: Uncertain significance for Inborn genetic diseases. Last evaluated: 2022-05-27. Review status: criteria provided, single submitter. Criteria: Ambry Variant Classification Scheme 2023. Collection method: clinical testing. Allele origin: germline.

NM_001080.3(ALDH5A1):c.934C>G (p.Pro312Ala)

Gene: ALDH5A1 (aldehyde dehydrogenase 5 family member A1; plus strand). Cytogenetic location: 6p22.3.
Variant type: single nucleotide variant.
Coding change: c.934C>G on transcript NM_001080.3 (MANE Select); coding-DNA position 934, C replaced by G.
Protein change: p.Pro312Ala; replaces proline 312 with alanine.
Molecular consequence: missense variant.
Genome position (GRCh38, 1-based): chr6:24,520,464, C>G. VCF-style: chr6-24520464-C-G. GRCh37 (hg19) VCF-style: chr6-24520692-C-G.
Other names: c.973C>G, p.Pro325Ala (NM_170740.1); c.790C>G, p.Pro264Ala (NM_001368954.1); short protein forms P325A, P264A, P312A.
Identifiers: ClinVar variation 2154996 (VCV002154996.2), dbSNP rs758281916, ClinGen allele CA3656800.